The following is an entry in ClinVar:

ClinVar aggregate classification (germline): Uncertain significance (1 of 4 stars; one submission).

Conditions:
Short-rib thoracic dysplasia 11 with or without polydactyly (SRTD11). Also called: SHORT-RIB THORACIC DYSPLASIA 11 WITHOUT POLYDACTYLY. Identifiers: Orphanet 474, Orphanet 93271, MedGen C3810200, MONDO:0014287, OMIM 615633.

Allele frequency attached by ClinVar (database versions not stated): gnomAD exomes 0.00006 and 0.00012; gnomAD 0.00007; TOPMed 0.00007; ESP Exome Variant Server 0.00008; ExAC 0.00013.
gnomAD v4.1: 113 of 1,607,546 alleles (0.007%); highest among the groups gnomAD compares: Middle Eastern, 0.053%; no homozygotes.

Submission:

Labcorp Genetics (formerly Invitae), Labcorp
Classification: Uncertain significance for Short-rib thoracic dysplasia 11 with or without polydactyly. Last evaluated: 2023-12-22. Review status: criteria provided, single submitter. Criteria: Invitae Variant Classification Sherloc (09022015). Collection method: clinical testing. Allele origin: germline.
Comment: This sequence change falls in intron 6 of the WDR34 gene. It does not directly change the encoded amino acid sequence of the WDR34 protein. It affects a nucleotide within the consensus splice site. This variant is present in population databases (rs375985561, gnomAD 0.03%). This variant has not been reported in the literature in individuals affected with WDR34-related conditions. ClinVar contains an entry for this variant (Variation ID: 1681216). Variants that disrupt the consensus splice site are a relatively common cause of aberrant splicing (PMID: 17576681, 9536098). Algorithms developed to predict the effect of sequence changes on RNA splicing suggest that this variant is not likely to affect RNA splicing. In summary, the available evidence is currently insufficient to determine the role of this variant in disease. Therefore, it has been classified as a Variant of Uncertain Significance.

Literature cited by the submitters: PubMed 17576681; PubMed 9536098.

NM_052844.4(DYNC2I2):c.981+4C>T

Genes: DYNC2I2 (dynein 2 intermediate chain 2; minus strand), LOC126860772 (CDK7 strongly-dependent group 2 enhancer GRCh37_chr9:131396972-131398171; plus strand). Cytogenetic location: 9q34.11.
Variant type: single nucleotide variant.
Coding change: c.981+4C>T on transcript NM_052844.4 (MANE Select); 4 bases into the intron after coding-DNA position 981, C replaced by T.
Molecular consequence: intron variant.
Genome position (GRCh38, 1-based): chr9:128,635,088, G>A on the plus strand (C>T on the coding strand, the complement: DYNC2I2 is on the minus strand). VCF-style: chr9-128635088-G-A. GRCh37 (hg19) VCF-style: chr9-131397367-G-A.
Identifiers: ClinVar variation 1681216 (VCV001681216.4), dbSNP rs375985561, ClinGen allele CA5266403.
Genomic context (GRCh38, chr9:128,635,088, plus strand): 5'-CCACACCTTCCCACCCCCAAGGCTCACCGGCGCAGGCCAGGGCAGTTTCCGGGTGCCCAC[G>A]TACCTTCTTGAGCTTGGTGCTCCGTGGCAGCTGCTGCATGACCAGGGCGAAGCCCTCTGT-3'